The following is an entry in ClinVar:

NM_001170629.2(CHD8):c.256G>A (p.Ala86Thr)

Gene: CHD8 (chromodomain helicase DNA binding protein 8; minus strand). Cytogenetic location: 14q11.2.
Variant type: single nucleotide variant.
Coding change: c.256G>A on transcript NM_001170629.2 (MANE Select); coding-DNA position 256, G replaced by A.
Protein change: p.Ala86Thr; replaces alanine 86 with threonine.
Molecular consequence: missense variant. On other transcripts: intron variant (1).
Genome position (GRCh38, 1-based): chr14:21,431,388, C>T on the plus strand (G>A on the coding strand, the complement: CHD8 is on the minus strand). VCF-style: chr14-21431388-C-T. GRCh37 (hg19) VCF-style: chr14-21899547-C-T.
Other names: c.6+423G>A (NM_020920.4); short protein forms A86T.
Identifiers: ClinVar variation 1191015 (VCV001191015.2), dbSNP rs1055413765, ClinGen allele CA257558632.

ClinVar aggregate classification (germline): Uncertain significance (1 of 4 stars; one submission).

Allele frequency attached by ClinVar (database versions not stated): gnomAD exomes 0.00001; TOPMed 0.00001; gnomAD 0.00002 and 0.00003.
gnomAD v4.1: 7 of 1,537,142 alleles (0.00046%); highest among the groups gnomAD compares: South Asian, 0.0048%; no homozygotes.

Submission:

GeneDx
Classification: Uncertain significance. Last evaluated: 2019-09-25. Review status: criteria provided, single submitter. Criteria: GeneDx Variant Classification Process June 2021. Collection method: clinical testing. Allele origin: germline. Affected: yes.
Comment: Not observed at a significant frequency in large population cohorts (Lek et al., 2016); In silico analysis, which includes protein predictors and evolutionary conservation, supports that this variant does not alter protein structure/function; Has not been previously published as pathogenic or benign to our knowledge